The following is an entry in ClinVar:

NM_002047.4(GARS1):c.1400A>T (p.Tyr467Phe)

Gene: GARS1 (glycyl-tRNA synthetase 1; plus strand). Cytogenetic location: 7p14.3.
Variant type: single nucleotide variant.
Coding change: c.1400A>T on transcript NM_002047.4 (MANE Select); coding-DNA position 1400, A replaced by T.
Protein change: p.Tyr467Phe; replaces tyrosine 467 with phenylalanine.
Molecular consequence: missense variant.
Genome position (GRCh38, 1-based): chr7:30,621,433, A>T. VCF-style: chr7-30621433-A-T. GRCh37 (hg19) VCF-style: chr7-30661049-A-T.
Other names: c.1238A>T, p.Tyr413Phe (NM_001316772.1); short protein forms Y413F, Y467F.
Identifiers: ClinVar variation 3000368 (VCV003000368.3), dbSNP rs2534319981, ClinGen allele CA367128108.

ClinVar aggregate classification (germline): Uncertain significance (1 of 4 stars; one submission).

Conditions:
Charcot-Marie-Tooth disease type 2. Also called: Charcot-Marie-Tooth type 2. Identifiers: Orphanet 64746, MedGen C0270914, MONDO:0018993.

gnomAD v4.1: 1 of 1,614,172 alleles (0.000062%); no homozygotes.

Submission:

Labcorp Genetics (formerly Invitae), Labcorp
Classification: Uncertain significance for Charcot-Marie-Tooth disease type 2. Last evaluated: 2023-01-26. Review status: criteria provided, single submitter. Criteria: Invitae Variant Classification Sherloc (09022015). Collection method: clinical testing. Allele origin: germline.
Comment: This sequence change replaces tyrosine, which is neutral and polar, with phenylalanine, which is neutral and non-polar, at codon 467 of the GARS protein (p.Tyr467Phe). This variant is not present in population databases (gnomAD no frequency). This variant has not been reported in the literature in individuals affected with GARS-related conditions. Advanced modeling of protein sequence and biophysical properties (such as structural, functional, and spatial information, amino acid conservation, physicochemical variation, residue mobility, and thermodynamic stability) performed at Invitae indicates that this missense variant is not expected to disrupt GARS protein function. In summary, the available evidence is currently insufficient to determine the role of this variant in disease. Therefore, it has been classified as a Variant of Uncertain Significance.